The following is an entry in ClinVar:

ClinVar aggregate classification (germline): Pathogenic (1 of 4 stars; one submission).

Conditions:
Treacher Collins syndrome 1 (TCS1). Also called: TCOF1-Related Treacher Collins Syndrome. Identifiers: Orphanet 861, MedGen CN315775, MONDO:0007944, OMIM 154500.

Submission:

Labcorp Genetics (formerly Invitae), Labcorp
Classification: Pathogenic for Treacher Collins syndrome 1. Last evaluated: 2022-12-12. Review status: criteria provided, single submitter. Criteria: Invitae Variant Classification Sherloc (09022015). Collection method: clinical testing. Allele origin: germline.
Comment: For these reasons, this variant has been classified as Pathogenic. Disruption of the initiator codon has been observed in individual(s) with clinical features of Treacher-Collins syndrome (PMID: 15340364, 22317976, 25790162). In at least one individual the variant was observed to be de novo. This variant is not present in population databases (gnomAD no frequency). This sequence change affects the initiator methionine of the TCOF1 mRNA. The next in-frame methionine is located at codon 121.

Literature cited by the submitters: PubMed 15340364; PubMed 22317976; PubMed 25790162.

NM_001371623.1(TCOF1):c.1A>T (p.Met1Leu)

Genes: TCOF1 (treacle ribosome biogenesis factor 1; plus strand), LOC129994985 (ATAC-STARR-seq lymphoblastoid silent region 16507; plus strand). Cytogenetic location: 5q32.
Variant type: single nucleotide variant.
Coding change: c.1A>T on transcript NM_001371623.1 (MANE Select); coding-DNA position 1, A replaced by T.
Protein change: p.Met1Leu; changes the start codon (methionine 1).
Molecular consequence: missense variant, initiator codon variant.
Genome position (GRCh38, 1-based): chr5:150,357,747, A>T. VCF-style: chr5-150357747-A-T. GRCh37 (hg19) VCF-style: chr5-149737310-A-T.
Other names: c.1A>T, p.Met1Leu (NM_001195141.2, NM_000356.4, NM_001008657.3 and 3 more transcripts); short protein forms M1L.
Identifiers: ClinVar variation 2734804 (VCV002734804.3), dbSNP rs2532514925, ClinGen allele CA361725458.